The following is an entry in ClinVar:

NM_007294.4(BRCA1):c.1450G>T (p.Gly484Ter)

Gene: BRCA1 (BRCA1 DNA repair associated; minus strand). Cytogenetic location: 17q21.31.
Variant type: single nucleotide variant.
Coding change: c.1450G>T on transcript NM_007294.4 (MANE Select); coding-DNA position 1450, G replaced by T.
Protein change: p.Gly484Ter; replaces glycine 484 with a stop codon.
Molecular consequence: nonsense. On other transcripts: intron variant (137).
Genome position (GRCh38, 1-based): chr17:43,094,081, C>A on the plus strand (G>T on the coding strand, the complement: BRCA1 is on the minus strand). VCF-style: chr17-43094081-C-A. GRCh37 (hg19) VCF-style: chr17-41246098-C-A.
Other names: c.664+663G>T (NM_001408440.1, NM_001408428.1, NM_001408441.1 and 12 more transcripts); c.670+1765G>T (NM_001408418.1, NM_001408423.1, NM_001408420.1 and 2 more transcripts); c.787+663G>T (NM_001407981.1, NM_007298.4, NM_001407978.1 and 19 more transcripts); c.643+663G>T (NM_001408462.1, NM_001408470.1, NM_001408464.1 and 3 more transcripts); c.709+663G>T (NM_001408414.1, NM_001408411.1, NM_001408415.1 and 2 more transcripts); c.577+663G>T (NM_001408514.1, NM_001408485.1, NM_001408483.1 and 9 more transcripts); c.661+663G>T (NM_001408447.1, NM_001408433.1, NM_001408446.1 and 6 more transcripts); c.784+663G>T (NM_001408400.1, NM_001408392.1, NM_001407986.1 and 13 more transcripts); and 40 more; short protein forms G484*, G437*, G357*, G457*, G481*, G356*, G373*, G395*.
Identifiers: ClinVar variation 54257 (VCV000054257.19), dbSNP rs80357304, ClinGen allele CA000973.
Genomic context (GRCh38, chr17:43,094,081, plus strand): 5'-GCTTTAATTTATTTGTGAGGGGACGCTCTTGTATTATCTGTGGCTCAGTAACAAATGCTC[C>A]TATAATTAGATTTTCAGTTACATGGCTTAAGTTGGGGAGGCTTGCCTTCTTCCGATAGGT-3'

ClinVar aggregate classification (germline): Pathogenic. Review status: reviewed by expert panel (3 of 4 stars). 12 submissions from 12 submitters: Pathogenic (1). 11 of the submissions do not count toward it. Last evaluated 2016-09-08.

Conditions:
Hereditary cancer-predisposing syndrome. Also called: Tumor predisposition; Neoplastic Syndromes, Hereditary; Hereditary Cancer Syndrome; Hereditary neoplastic syndrome. Identifiers: Orphanet 140162, MedGen C0027672, MeSH D009386, MONDO:0015356.
Hereditary breast ovarian cancer syndrome. Also called: Hereditary breast and ovarian cancer syndrome (HBOC); Hereditary breast and ovarian cancer syndrome; Hereditary breast and ovarian cancer; Hereditary breast and/or ovarian cancer syndrome; Breast and ovarian cancer; BRCA1- and BRCA2-Associated Hereditary Breast and Ovarian Cancer. Identifiers: Orphanet 145, MedGen C0677776, MeSH D061325, MONDO:0003582. Disease mechanism: loss of function.
Breast-ovarian cancer, familial, susceptibility to, 1 (BROVCA1). Also called: OVARIAN CANCER, SUSCEPTIBILITY TO; BRCA1 Hereditary Breast and Ovarian Cancer. Identifiers: Orphanet 145, MedGen C2676676, MONDO:0011450, OMIM 604370. Disease mechanism: loss of function.

Submissions (12):

Evidence-based Network for the Interpretation of Germline Mutant Alleles (ENIGMA)
Classification: Pathogenic for Breast-ovarian cancer, familial, susceptibility to, 1. Last evaluated: 2016-09-08. Review status: reviewed by expert panel. Criteria: ENIGMA BRCA1/2 Classification Criteria (2015). Collection method: curation. Allele origin: germline.
Comment: Variant allele predicted to encode a truncated non-functional protein.

Labcorp Genetics (formerly Invitae), Labcorp
Classification: Pathogenic for Hereditary breast ovarian cancer syndrome. Last evaluated: 2025-03-04. Review status: criteria provided, single submitter. Criteria: Invitae Variant Classification Sherloc (09022015). Collection method: clinical testing. Allele origin: germline. Not counted in ClinVar's aggregate classification.
Comment: This sequence change creates a premature translational stop signal (p.Gly484*) in the BRCA1 gene. It is expected to result in an absent or disrupted protein product. Loss-of-function variants in BRCA1 are known to be pathogenic (PMID: 20104584). This variant is not present in population databases (gnomAD no frequency). This premature translational stop signal has been observed in individual(s) with a personal and/or family history of breast and/or ovarian cancer (PMID: 8807330, 29446198, 29470806). This variant is also known as c.1569G>T. ClinVar contains an entry for this variant (Variation ID: 54257). For these reasons, this variant has been classified as Pathogenic.

Ambry Genetics
Classification: Pathogenic for Hereditary cancer-predisposing syndrome. Last evaluated: 2024-11-25. Review status: criteria provided, single submitter. Criteria: Ambry Variant Classification Scheme 2023. Collection method: clinical testing. Allele origin: germline. Not counted in ClinVar's aggregate classification.
Comment: The p.G484* pathogenic mutation (also known as c.1450G>T), located in coding exon 9 of the BRCA1 gene, results from a G to T substitution at nucleotide position 1450. This changes the amino acid from a glycine to a stop codon within coding exon 9. This alteration, referred to as STOP484 (1569G>T), has been reported in the literature as a deleterious mutation (Couch FJ and Weber BL Hum. Mutat. 1996;8:8-18). This variant was observed in a study of 1010 unrelated Indian patients with breast and/or ovarian cancer (Singh J et al. Breast Cancer Res Treat, 2018 Jul;170:189-196). In a large, clinic-based BRCA1/2 testing cohort in Norway, this variant was detected in three families (Heramb C et al. Hered Cancer Clin Pract, 2018 Jan;16:3). In addition to the clinical data presented in the literature, this alteration is expected to result in loss of function by premature protein truncation or nonsense-mediated mRNA decay. As such, this alteration is interpreted as a disease-causing mutation.

Baylor Genetics
Classification: Pathogenic for Breast-ovarian cancer, familial, susceptibility to, 1. Last evaluated: 2024-02-02. Review status: criteria provided, single submitter. Criteria: ACMG Guidelines, 2015. Collection method: clinical testing. Allele origin: unknown. Not counted in ClinVar's aggregate classification.

New York Genome Center
Classification: Pathogenic for Breast-ovarian cancer, familial, susceptibility to, 1. Last evaluated: 2022-05-11. Review status: criteria provided, single submitter. Criteria: NYGC Assertion Criteria 2020. Collection method: clinical testing. Allele origin: germline. Observed: 1 heterozygote. Not counted in ClinVar's aggregate classification.
Comment: The c.1450G>T variant in BRCA1 has previously been in individuals with clinical features of familial breast and/or ovarian cancer [PMID: 30555256, 29339979,11199332, 29446198, 29470806] and it has been deposited in ClinVar [ClinVar ID: 54257] as Pathogenic. The c.1450G>T variant is observed in 1 allele (0.00037%minor allele frequency with 0 homozygotes) in population databases (gnomAD v2.1.1 and v3.1.2, TOPMed Freeze 8), suggesting it is not a common benign variant in the populations represented in those databases. The c.1450G>T variant in BRCA1 is located in exon 10 of this 23-exon gene, predicted to incorporate a premature termination codon (p.(Gly484Ter)), and is expected to result in loss-of-function via nonsense mediated decay. Multiple loss-of-function variants that are downstream to the c.1450G>T variant have been reported in the literature [PMID: 31528241] and ClinVar [ClinVar ID: 54264] in individuals with familial breast and/or ovarian cancer. Based on available evidence this c.1450G>T p.(Gly484Ter) variant identified in BRCA1 gene is classified as Pathogenic.

Sema4
Classification: Pathogenic for Hereditary cancer-predisposing syndrome. Last evaluated: 2021-02-26. Review status: criteria provided, single submitter. Criteria: Sema4 Curation Guidelines. Collection method: curation. Allele origin: germline. Not counted in ClinVar's aggregate classification.
Comment: The BRCA1 c.1450G>T p.G484X variant has been reported in heterozygosity in at least 4 individuals with breast or ovarian cancer (PMID: 8807330, 30555256, 29470806, 29339979, 29446198). This nonsense variant creates a premature stop codon at residue 484 of the BRCA1 protein. Loss of function variants in BRCA1 are known to be pathogenic (PMID: 29446198). This variant is not reported in the population database Genome Aggregation Database (PMID: 32461654). This variant is reported as pathogenic by a ClinVar clinical database. Based on the current evidence available, this variant is interpreted as pathogenic.

Quest Diagnostics Nichols Institute San Juan Capistrano
Classification: Pathogenic. Last evaluated: 2020-03-13. Review status: criteria provided, single submitter. Criteria: Quest Diagnostics criteria. Collection method: clinical testing. Allele origin: unknown. Not counted in ClinVar's aggregate classification.
Comment: The variant creates a premature nonsense codon, and is therefore predicted to result in the loss of a functional protein. Found in at least one patient with expected phenotype for this gene, and not found in general population data.

Consortium of Investigators of Modifiers of BRCA1/2 (CIMBA), c/o University of Cambridge
Classification: Pathogenic for Breast-ovarian cancer, familial, susceptibility to, 1. Last evaluated: 2015-10-02. Review status: criteria provided, single submitter. Criteria: CIMBA Mutation Classification guidelines May 2016. Collection method: clinical testing. Allele origin: germline. Not counted in ClinVar's aggregate classification.

Department of Medical Genetics, Oslo University Hospital
Classification: Pathogenic for Breast-ovarian cancer, familial, susceptibility to, 1. Last evaluated: 2015-07-01. Review status: criteria provided, single submitter. Criteria: ACMG Guidelines, 2015. Collection method: clinical testing. Allele origin: germline. Affected: yes. Observed: 18 variant alleles. Not counted in ClinVar's aggregate classification.

Molecular Endocrinology Laboratory, Christian Medical College
Classification: Pathogenic for Breast-ovarian cancer, familial, susceptibility to, 1. Review status: criteria provided, single submitter. Criteria: ACMG Guidelines, 2015. Collection method: clinical testing. Allele origin: germline. Affected: yes. Not counted in ClinVar's aggregate classification.

Research Molecular Genetics Laboratory, Women's College Hospital, University of Toronto
Classification: Pathogenic for Hereditary breast ovarian cancer syndrome. Last evaluated: 2014-01-31. Review status: no assertion criteria provided. Collection method: research. Allele origin: germline. Affected: yes. Study: The Canadian Open Genetics Repository (COGR). Not counted in ClinVar's aggregate classification.

Breast Cancer Information Core (BIC) (BRCA1)
Classification: Pathogenic for Breast-ovarian cancer, familial 1. Last evaluated: 2006-05-05. Review status: no assertion criteria provided. Collection method: clinical testing. Allele origin: germline. Affected: yes. Observed: 3 variant alleles. Not counted in ClinVar's aggregate classification.

Literature cited by the submitters: PubMed 20104584 (cited by Labcorp Genetics (formerly Invitae), Labcorp); PubMed 8807330 (cited by 4 submitters); PubMed 29446198 (cited by 4 submitters); PubMed 29470806 (cited by 5 submitters); PubMed 29339979 (cited by 3 submitters); PubMed 30555256 (cited by 3 submitters); PubMed 25525159 (cited by Quest Diagnostics Nichols Institute San Juan Capistrano); PubMed 9523200 (cited by Quest Diagnostics Nichols Institute San Juan Capistrano).